The following is an entry in ClinVar:

ClinVar aggregate classification (germline): Pathogenic (1 of 4 stars; one submission).

Conditions:
Neurofibromatosis, type 1 (NF1). Also called: Peripheral type neurofibromatosis; VON RECKLINGHAUSEN DISEASE; Neurofibromatosis, type I; NEUROFIBROMATOSIS, TYPE I, SOMATIC. Identifiers: Orphanet 636, MedGen C0027831, MONDO:0018975, OMIM 162200. Disease mechanism: loss of function.

Submission:

Labcorp Genetics (formerly Invitae), Labcorp
Classification: Pathogenic for Neurofibromatosis, type 1. Last evaluated: 2024-02-22. Review status: criteria provided, single submitter. Criteria: Invitae Variant Classification Sherloc (09022015). Collection method: clinical testing. Allele origin: germline.
Comment: This sequence change creates a premature translational stop signal (p.Leu2130Profs*3) in the NF1 gene. It is expected to result in an absent or disrupted protein product. Loss-of-function variants in NF1 are known to be pathogenic (PMID: 10712197, 23913538). This variant is not present in population databases (gnomAD no frequency). This variant has not been reported in the literature in individuals affected with NF1-related conditions. For these reasons, this variant has been classified as Pathogenic.

Literature cited by the submitters: PubMed 10712197; PubMed 23913538.

NM_001042492.3(NF1):c.6452del (p.Leu2151fs)

Gene: NF1 (neurofibromin 1; plus strand). Cytogenetic location: 17q11.2.
Variant type: Deletion.
Coding change: c.6452del on transcript NM_001042492.3 (MANE Select); coding-DNA position 6452, one base deleted (T; older notation c.6452delT).
Protein change: p.Leu2151fs; shifts the reading frame from leucine 2151.
Molecular consequence: frameshift variant.
Genome position (GRCh38, 1-based): chr17:31,337,392, T deleted. VCF-style (leftmost placement, unchanged base first): chr17-31337391-CT-C. GRCh37 (hg19) VCF-style: chr17-29664409-CT-C.
Other names: c.6389delT, p.Leu2130Profs (NM_000267.4); short protein forms L2130fs, L2151fs.
Identifiers: ClinVar variation 3642491 (VCV003642491.2).